The following is an entry in ClinVar:

ClinVar aggregate classification (germline): Uncertain significance. Review status: criteria provided, multiple submitters, no conflicts (2 of 4 stars). 2 submissions from 2 submitters: Uncertain significance (2). Last evaluated 2025-11-21.

Conditions:
Hereditary cancer-predisposing syndrome. Also called: Hereditary Cancer Syndrome; Neoplastic Syndromes, Hereditary; Tumor predisposition; Hereditary neoplastic syndrome. Identifiers: Orphanet 140162, MedGen C0027672, MeSH D009386, MONDO:0015356.
Hereditary nonpolyposis colorectal neoplasms. Identifiers: MedGen C0009405, MeSH D003123.

Submissions (2):

Labcorp Genetics (formerly Invitae), Labcorp
Classification: Uncertain significance for Hereditary nonpolyposis colorectal neoplasms. Last evaluated: 2025-11-21. Review status: criteria provided, single submitter. Criteria: Invitae Variant Classification Sherloc (09022015). Collection method: clinical testing. Allele origin: germline.
Comment: This sequence change replaces arginine, which is basic and polar, with proline, which is neutral and non-polar, at codon 802 of the PMS2 protein (p.Arg802Pro). The frequency data for this variant in the population databases (gnomAD) is considered unreliable due to the presence of homologous sequence, such as pseudogenes or paralogs, in the genome. This variant has not been reported in the literature in individuals affected with PMS2-related conditions. ClinVar contains an entry for this variant (Variation ID: 3005231). Invitae Evidence Modeling incorporating data from in vitro experimental studies (internal data) indicates that this missense variant is not expected to disrupt PMS2 function with a negative predictive value of 95%. In summary, the available evidence is currently insufficient to determine the role of this variant in disease. Therefore, it has been classified as a Variant of Uncertain Significance.

Ambry Genetics
Classification: Uncertain significance for Hereditary cancer-predisposing syndrome. Last evaluated: 2024-09-15. Review status: criteria provided, single submitter. Criteria: Ambry Variant Classification Scheme 2023. Collection method: clinical testing. Allele origin: germline.
Comment: The p.R802P variant (also known as c.2405G>C), located in coding exon 14 of the PMS2 gene, results from a G to C substitution at nucleotide position 2405. The arginine at codon 802 is replaced by proline, an amino acid with dissimilar properties. This amino acid position is conserved. In addition, this alteration is predicted to be deleterious by in silico analysis. Based on the available evidence, the clinical significance of this variant remains unclear.

NM_000535.7(PMS2):c.2405G>C (p.Arg802Pro)

Gene: PMS2 (PMS1 homolog 2, mismatch repair system component; minus strand). Cytogenetic location: 7p22.1.
Variant type: single nucleotide variant.
Coding change: c.2405G>C on transcript NM_000535.7 (MANE Select); coding-DNA position 2405, G replaced by C.
Protein change: p.Arg802Pro; replaces arginine 802 with proline.
Molecular consequence: missense variant. On other transcripts: non-coding transcript variant (1).
Genome position (GRCh38, 1-based): chr7:5,977,628, C>G on the plus strand (G>C on the coding strand, the complement: PMS2 is on the minus strand). VCF-style: chr7-5977628-C-G. GRCh37 (hg19) VCF-style: chr7-6017259-C-G.
Other names: c.2000G>C, p.Arg667Pro (NM_001018040.1, NM_001322003.2, NM_001322004.2 and 12 more transcripts); c.2249G>C, p.Arg750Pro (NM_001322006.2); c.2087G>C, p.Arg696Pro (NM_001322007.2, NM_001322008.2, NM_001406883.1); c.2033G>C, p.Arg678Pro (NM_001322009.2, NM_001406887.1, NM_001406888.1); c.1844G>C, p.Arg615Pro (NM_001322010.2, NM_001406906.1, NM_001406907.1); c.1472G>C, p.Arg491Pro (NM_001322011.2, NM_001322012.2); c.1832G>C, p.Arg611Pro (NM_001322013.2, NM_001406908.1, NM_001406909.1); c.2438G>C, p.Arg813Pro (NM_001322014.2); and 20 more; short protein forms R401P, R545P, R611P, R696P, R699P, R710P, R746P, R810P.
Identifiers: ClinVar variation 3005231 (VCV003005231.4), dbSNP rs1060503143, ClinGen allele CA366735670.